The following is an entry in ClinVar:

ClinVar aggregate classification (germline): Uncertain significance (1 of 4 stars; one submission).

gnomAD v4.1: 1 of 1,614,012 alleles (0.000062%); highest among the groups gnomAD compares: Non-Finnish European, 0.000085%; no homozygotes.

Submission:

Labcorp Genetics (formerly Invitae), Labcorp
Classification: Uncertain significance. Last evaluated: 2024-03-07. Review status: criteria provided, single submitter. Criteria: Invitae Variant Classification Sherloc (09022015). Collection method: clinical testing. Allele origin: germline.
Comment: This sequence change replaces arginine, which is basic and polar, with threonine, which is neutral and polar, at codon 289 of the MSH3 protein (p.Arg289Thr). This variant is not present in population databases (gnomAD no frequency). This variant has not been reported in the literature in individuals affected with MSH3-related conditions. ClinVar contains an entry for this variant (Variation ID: 1024245). An algorithm developed to predict the effect of missense changes on protein structure and function (PolyPhen-2) suggests that this variant is likely to be disruptive. In summary, the available evidence is currently insufficient to determine the role of this variant in disease. Therefore, it has been classified as a Variant of Uncertain Significance.

NM_002439.5(MSH3):c.866G>C (p.Arg289Thr)

Gene: MSH3 (mutS homolog 3; plus strand). Cytogenetic location: 5q14.1.
Variant type: single nucleotide variant.
Coding change: c.866G>C on transcript NM_002439.5 (MANE Select); coding-DNA position 866, G replaced by C.
Protein change: p.Arg289Thr; replaces arginine 289 with threonine.
Molecular consequence: missense variant.
Genome position (GRCh38, 1-based): chr5:80,672,317, G>C. VCF-style: chr5-80672317-G-C. GRCh37 (hg19) VCF-style: chr5-79968136-G-C.
Other names: short protein forms R289T.
Identifiers: ClinVar variation 1024245 (VCV001024245.8), dbSNP rs1749741675, ClinGen allele CA360267214.